The following is an entry in ClinVar:

NM_002519.3(NPAT):c.3286C>T (p.Pro1096Ser)

Gene: NPAT (nuclear protein, coactivator of histone transcription; minus strand). Cytogenetic location: 11q22.3.
Variant type: single nucleotide variant.
Coding change: c.3286C>T on transcript NM_002519.3 (MANE Select); coding-DNA position 3286, C replaced by T.
Protein change: p.Pro1096Ser; replaces proline 1096 with serine.
Molecular consequence: missense variant.
Genome position (GRCh38, 1-based): chr11:108,161,800, G>A on the plus strand (C>T on the coding strand, the complement: NPAT is on the minus strand). VCF-style: chr11-108161800-G-A. GRCh37 (hg19) VCF-style: chr11-108032527-G-A.
Other names: c.3307C>T, p.Pro1103Ser (NM_001321307.1); short protein forms P1096S, P1103S.
Identifiers: ClinVar variation 4691638 (VCV004691638.1).
Genomic context (GRCh38, chr11:108,161,800, plus strand): 5'-TGATAGCATTATTAGAAGGGGGTTTTAAGGTGGAGGACACATTGGGTGAGTCAAGATTAG[G>A]AAAAGAGACTGCATTCCTTTCTTTGTTTTGGGACACCATCTTATGGTTTGGCCCCTGCGT-3'
Protein context (NP_002510.2, residues 1086-1106): QNKERNAVSF[Pro1096Ser]NLDSPNVSST

ClinVar aggregate classification (germline): Uncertain significance (1 of 4 stars; one submission).

gnomAD v4.1: 2 of 1,614,004 alleles (0.00012%); highest among the groups gnomAD compares: Admixed American, 0.0017%; no homozygotes.

Submission:

Labcorp Genetics (formerly Invitae), Labcorp
Classification: Uncertain significance. Last evaluated: 2026-02-01. Review status: criteria provided, single submitter. Criteria: Invitae Variant Classification Sherloc (09022015). Collection method: clinical testing. Allele origin: germline.
Comment: This sequence change replaces proline, which is neutral and non-polar, with serine, which is neutral and polar, at codon 1096 of the NPAT protein (p.Pro1096Ser). This variant is not present in population databases (gnomAD no frequency). This variant has not been reported in the literature in individuals affected with NPAT-related conditions. An algorithm developed to predict the effect of missense changes on protein structure and function outputs the following: PolyPhen-2: "Benign". The serine amino acid residue is found in multiple mammalian species, which suggests that this missense change does not adversely affect protein function. In summary, the available evidence is currently insufficient to determine the role of this variant in disease. Therefore, it has been classified as a Variant of Uncertain Significance.